The following is an entry in ClinVar:

NC_000002.11:g.(?_160261360)_(160335230_?)del

Gene: BAZ2B (bromodomain adjacent to zinc finger domain 2B; minus strand). Cytogenetic location: 2q24.2.
Variant type: Deletion.
Identifiers: ClinVar variation 2425875 (VCV002425875.2).

ClinVar aggregate classification (germline): Pathogenic (1 of 4 stars; one submission).

Submission:

Labcorp Genetics (formerly Invitae), Labcorp
Classification: Pathogenic. Last evaluated: 2022-06-27. Review status: criteria provided, single submitter. Criteria: Invitae Variant Classification Sherloc (09022015). Collection method: clinical testing. Allele origin: germline.
Comment: This variant is a gross deletion of the genomic region encompassing exon(s) 3-16 of the BAZ2B gene, which includes the initiator codon. This deletion extends beyond the assayed region for this gene and therefore may encompass additional genes. It is expected to result in an absent or disrupted protein product. Loss-of-function variants in BAZ2B are known to be pathogenic (PMID: 31999386). This variant has not been reported in the literature in individuals affected with BAZ2B-related conditions. For these reasons, this variant has been classified as Pathogenic.

Literature cited by the submitters: PubMed 31999386.